The following is an entry in ClinVar:

ClinVar aggregate classification (germline): Likely benign (1 of 4 stars; one submission).

gnomAD v4.1: 7 of 1,604,576 alleles (0.00044%); highest among the groups gnomAD compares: Non-Finnish European, 0.00051%; no homozygotes.

Submission:

CeGaT Center for Human Genetics Tuebingen
Classification: Likely benign. Last evaluated: 2026-02-01. Review status: criteria provided, single submitter. Criteria: CeGaT Center For Human Genetics Tuebingen Variant Classification Criteria Version 2. Collection method: clinical testing. Allele origin: germline. Affected: yes. Observed: 1 variant allele.
Comment: LONP1: BP4, BP7

NM_004793.4(LONP1):c.2073G>A (p.Leu691=)

Gene: LONP1 (lon peptidase 1, mitochondrial; minus strand). Cytogenetic location: 19p13.3.
Variant type: single nucleotide variant.
Coding change: c.2073G>A on transcript NM_004793.4 (MANE Select); coding-DNA position 2073, G replaced by A.
Protein change: p.Leu691=; no amino-acid change (leucine 691 retained).
Molecular consequence: synonymous variant. On other transcripts: non-coding transcript variant (1).
Genome position (GRCh38, 1-based): chr19:5,694,842, C>T on the plus strand (G>A on the coding strand, the complement: LONP1 is on the minus strand). VCF-style: chr19-5694842-C-T. GRCh37 (hg19) VCF-style: chr19-5694853-C-T.
Other names: c.1881G>A, p.Leu627= (NM_001276479.2); c.1485G>A, p.Leu495= (NM_001276480.1).
Identifiers: ClinVar variation 4822762 (VCV004822762.4).